The following is an entry in ClinVar:

NM_000202.8(IDS):c.1181_1192del (p.Gly394_Met398delinsVal)

Gene: IDS (iduronate 2-sulfatase; minus strand). Cytogenetic location: Xq28.
Variant type: Deletion.
Coding change: c.1181_1192del on transcript NM_000202.8 (MANE Select); coding-DNA positions 1181 to 1192, 12 bases deleted (GCAGGCAATCCA).
Protein change: p.Gly394_Met398delinsVal.
Molecular consequence: inframe indel.
Genome position (GRCh38, 1-based): chrX:149,483,207-149,483,218, TGGATTGCCTGC deleted on the plus strand (GCAGGCAATCCA on the coding strand, the reverse complement: IDS is on the minus strand). VCF-style (leftmost placement, unchanged base first): chrX-149483206-ATGGATTGCCTGC-A. GRCh37 (hg19) VCF-style: chrX-148564737-ATGGATTGCCTGC-A.
Other names: c.911_922del, p.Gly304_Met308delinsVal (NM_001166550.4).
Identifiers: ClinVar variation 3255978 (VCV003255978.2).
Genomic context (GRCh38, chrX:149,483,206, plus strand): 5'-ACCTGCAGTCCTGCAAGTCCAGCCAGCGTGGGAAAAAGAGACACAAGTTCCACAAGGTCC[ATGGATTGCCTGC>A]CTGAAACAGGAAGCGACAGAGCAGAATGGGTTACATTATAAAAGCCTGCCATGGCCAGGC-3'

ClinVar aggregate classification (germline): Likely pathogenic (1 of 4 stars; one submission).

Conditions:
Mucopolysaccharidosis, MPS-II (MPS2). Also called: Hunter Syndrome; IDURONATE 2-SULFATASE DEFICIENCY; Mucopolysaccharidosis Type II; Mucopolysaccharidosis type 2; Attenuated MPS (subtype; formerly known as mild MPS II); Severe MPS II. Identifiers: Orphanet 580, Orphanet 79388, MedGen C0026705, MONDO:0010674, OMIM 309900.

Submission:

Laboratory of Diagnosis and Therapy of Lysosomal Disorders, University of Padova
Classification: Likely pathogenic for Mucopolysaccharidosis, MPS-II. Last evaluated: 2024-06-07. Review status: criteria provided, single submitter. Criteria: ACMG Guidelines, 2015. Collection method: literature only. Allele origin: germline. Affected: yes. Observed: 1 variant allele.
Comment: Absent from controls (or at low frequency) in gnomAD database (PM2_Moderate), Protein length changes in a nonrepeat region or stop–loss variants (PM4_Moderate), Multiple lines of computational evidence support a deleterious effect (PP3_Supporting), Patient’s phenotype or family history highly specific for the disease (PP4_Strong)

Classification method: ACMG Guidelines [PMID:25741868] with modifications

Literature cited by the submitters: PubMed 30639582.